The following is an entry in ClinVar:

NM_001354604.2(MITF):c.589T>G (p.Tyr197Asp)

Gene: MITF (melanocyte inducing transcription factor; plus strand). Cytogenetic location: 3p13.
Variant type: single nucleotide variant.
Coding change: c.589T>G on transcript NM_001354604.2 (MANE Select); coding-DNA position 589, T replaced by G.
Protein change: p.Tyr197Asp; replaces tyrosine 197 with aspartic acid.
Molecular consequence: missense variant.
Genome position (GRCh38, 1-based): chr3:69,939,104, T>G. VCF-style: chr3-69939104-T-G. GRCh37 (hg19) VCF-style: chr3-69988255-T-G.
Other names: c.268T>G, p.Tyr90Asp (NM_000248.4, NM_198158.3); c.433T>G, p.Tyr145Asp (NM_001184967.2, NM_001354608.2); c.586T>G, p.Tyr196Asp (NM_001354605.2, NM_001354606.2, NM_006722.3); c.538T>G, p.Tyr180Asp (NM_001354607.2); c.589T>G, p.Tyr197Asp (NM_198159.3); c.541T>G, p.Tyr181Asp (NM_198177.3); c.100T>G, p.Tyr34Asp (NM_198178.3); short protein forms Y145D, Y180D, Y181D, Y196D, Y197D, Y34D, Y90D.
Identifiers: ClinVar variation 2497860 (VCV002497860.5), dbSNP rs2471591110, ClinGen allele CA353560830.

ClinVar aggregate classification (germline): Uncertain significance. Review status: criteria provided, multiple submitters, no conflicts (2 of 4 stars). 3 submissions from 3 submitters: Uncertain significance (3). Last evaluated 2025-03-07.

Conditions:
Waardenburg syndrome type 2A (WS2A). Also called: WAARDENBURG SYNDROME WITHOUT DYSTOPIA CANTHORUM. Identifiers: Orphanet 3440, MedGen C1860339, MONDO:0008671, OMIM 193510.
Melanoma, cutaneous malignant, susceptibility to, 8. Also called: Cutaneous malignant melanoma 8; MELANOMA AND RENAL CELL CARCINOMA, SUSCEPTIBILITY TO. Identifiers: Orphanet 293822, MedGen C3152204, MONDO:0013759, OMIM 614456.
Tietz syndrome (TADS). Also called: HYPOPIGMENTATION/DEAFNESS OF TIETZ; ALBINISM-DEAFNESS OF TIETZ; TIETZ ALBINISM-DEAFNESS SYNDROME. Identifiers: Orphanet 42665, MedGen C0391816, MONDO:0007077, OMIM 103500.
Hereditary cancer-predisposing syndrome. Also called: Neoplastic Syndromes, Hereditary; Hereditary neoplastic syndrome; Tumor predisposition; Hereditary Cancer Syndrome. Identifiers: Orphanet 140162, MedGen C0027672, MeSH D009386, MONDO:0015356.

Allele frequency attached by ClinVar (database versions not stated): gnomAD exomes below 0.00001.
gnomAD v4.1: 4 of 1,614,014 alleles (0.00025%); highest among the groups gnomAD compares: Non-Finnish European, 0.00034%; no homozygotes.

Submissions (3):

Ambry Genetics
Classification: Uncertain significance for Hereditary cancer-predisposing syndrome. Last evaluated: 2025-03-07. Review status: criteria provided, single submitter. Criteria: Ambry Variant Classification Scheme 2023. Collection method: clinical testing. Allele origin: germline.
Comment: The p.Y90D variant (also known as c.268T>G), located in coding exon 3 of the MITF gene, results from a T to G substitution at nucleotide position 268. The tyrosine at codon 90 is replaced by aspartic acid, an amino acid with highly dissimilar properties. This amino acid position is conserved. In addition, the in silico prediction for this alteration is inconclusive. Based on the available evidence, the clinical significance of this variant remains unclear.

Labcorp Genetics (formerly Invitae), Labcorp
Classification: Uncertain significance for Melanoma, cutaneous malignant, susceptibility to, 8; Waardenburg syndrome type 2A; Tietz syndrome. Last evaluated: 2023-02-09. Review status: criteria provided, single submitter. Criteria: Invitae Variant Classification Sherloc (09022015). Collection method: clinical testing. Allele origin: germline.
Comment: This sequence change replaces tyrosine, which is neutral and polar, with aspartic acid, which is acidic and polar, at codon 90 of the MITF protein (p.Tyr90Asp). This variant is not present in population databases (gnomAD no frequency). This variant has not been reported in the literature in individuals affected with MITF-related conditions. Algorithms developed to predict the effect of missense changes on protein structure and function are either unavailable or do not agree on the potential impact of this missense change (SIFT: "Deleterious"; PolyPhen-2: "Probably Damaging"; Align-GVGD: "Class C0"). In summary, the available evidence is currently insufficient to determine the role of this variant in disease. Therefore, it has been classified as a Variant of Uncertain Significance.

GeneDx
Classification: Uncertain significance. Last evaluated: 2022-10-07. Review status: criteria provided, single submitter. Criteria: GeneDx Variant Classification Process June 2021. Collection method: clinical testing. Allele origin: germline. Affected: yes.
Comment: Not observed at significant frequency in large population cohorts (gnomAD); In silico analysis supports that this missense variant does not alter protein structure/function; Has not been previously published as pathogenic or benign to our knowledge